The following is an entry in ClinVar:

ClinVar aggregate classification (germline): Uncertain significance (1 of 4 stars; one submission).

Conditions:
Neurodevelopmental disorder with or without early-onset generalized epilepsy. Identifiers: MedGen C5436914, MONDO:0030930, OMIM 619157.

Allele frequency attached by ClinVar (database versions not stated): gnomAD exomes below 0.00001.
gnomAD v4.1: 1 of 1,610,190 alleles (0.000062%); highest among the groups gnomAD compares: Non-Finnish European, 0.000085%; no homozygotes.

Submission:

MGZ Medical Genetics Center
Classification: Uncertain significance for Neurodevelopmental disorder with or without early-onset generalized epilepsy. Last evaluated: 2022-07-12. Review status: criteria provided, single submitter. Criteria: ACMG Guidelines, 2015. Collection method: clinical testing. Allele origin: germline. Affected: yes. Observed: 2 variant alleles.
Comment: ACMG criteria applied: PM2_SUP, BS2

NM_001385012.1(NBEA):c.2746G>T (p.Val916Phe)

Gene: NBEA (neurobeachin; plus strand). Cytogenetic location: 13q13.3.
Variant type: single nucleotide variant.
Coding change: c.2746G>T on transcript NM_001385012.1 (MANE Select); coding-DNA position 2746, G replaced by T.
Protein change: p.Val916Phe; replaces valine 916 with phenylalanine.
Molecular consequence: missense variant.
Genome position (GRCh38, 1-based): chr13:35,157,172, G>T. VCF-style: chr13-35157172-G-T. GRCh37 (hg19) VCF-style: chr13-35731309-G-T.
Other names: c.2746G>T, p.Val916Phe (NM_001379245.1, NM_015678.5); short protein forms V916F.
Identifiers: ClinVar variation 1709633 (VCV001709633.2), dbSNP rs2503593702, ClinGen allele CA387835576.
Genomic context (GRCh38, chr13:35,157,172, plus strand): 5'-ATGTTTTCTCTTGGCTATATCAATCCTAAAAATTCTGAGGAACAGAAGATTACCGAAATG[G>T]TCTACAATATCTTCCGGATTCTTTTGTATCATGCAATAAAATATGAATGGGGAGGCTGGA-3'
Protein context (NP_001371941.1, residues 906-926): NSEEQKITEM[Val916Phe]YNIFRILLYH